The following is an entry in ClinVar:

ClinVar aggregate classification (germline): Uncertain significance. Review status: criteria provided, multiple submitters, no conflicts (2 of 4 stars). 2 submissions from 2 submitters: Uncertain significance (2). Last evaluated 2024-08-17.

Conditions:
Inborn genetic diseases. Identifiers: MedGen C0950123, MeSH D030342.

Submissions (2):

Ambry Genetics
Classification: Uncertain significance for Inborn genetic diseases. Last evaluated: 2024-08-17. Review status: criteria provided, single submitter. Criteria: Ambry Variant Classification Scheme 2023. Collection method: clinical testing. Allele origin: germline.
Comment: The p.D478G variant (also known as c.1433A>G), located in coding exon 8 of the PIK3CA gene, results from an A to G substitution at nucleotide position 1433. The aspartic acid at codon 478 is replaced by glycine, an amino acid with similar properties. This amino acid position is conserved. In addition, the in silico prediction for this alteration is inconclusive. Based on the available evidence, the clinical significance of this variant remains unclear.

GeneDx
Classification: Uncertain significance. Last evaluated: 2024-04-29. Review status: criteria provided, single submitter. Criteria: GeneDx Variant Classification Process June 2021. Collection method: clinical testing. Allele origin: germline. Affected: yes.
Comment: Not observed at significant frequency in large population cohorts (gnomAD); In silico analysis indicates that this missense variant does not alter protein structure/function; Has not been previously published as pathogenic or benign to our knowledge

NM_006218.4(PIK3CA):c.1433A>G (p.Asp478Gly)

Gene: PIK3CA (phosphatidylinositol-4,5-bisphosphate 3-kinase catalytic subunit alpha; plus strand). Cytogenetic location: 3q26.32.
Variant type: single nucleotide variant.
Coding change: c.1433A>G on transcript NM_006218.4 (MANE Select); coding-DNA position 1433, A replaced by G.
Protein change: p.Asp478Gly; replaces aspartic acid 478 with glycine.
Molecular consequence: missense variant.
Genome position (GRCh38, 1-based): chr3:179,210,459, A>G. VCF-style: chr3-179210459-A-G. GRCh37 (hg19) VCF-style: chr3-178928247-A-G.
Other names: short protein forms D478G.
Identifiers: ClinVar variation 3373219 (VCV003373219.2).